The following is an entry in ClinVar:

ClinVar aggregate classification (germline): Uncertain significance. Review status: criteria provided, multiple submitters, no conflicts (2 of 4 stars). 2 submissions from 2 submitters: Uncertain significance (2). Last evaluated 2024-06-27.

Conditions:
Dyskeratosis congenita, autosomal dominant 2. Identifiers: MedGen C3151443, MONDO:0013521, OMIM 613989.
Idiopathic Pulmonary Fibrosis. Also called: Idiopathic fibrosing alveolitis, chronic form; idiopathic fibrosing alveolitis. Identifiers: Orphanet 2032, MedGen C1800706, MeSH D054990, MONDO:0800504.
Dyskeratosis congenita. Identifiers: Orphanet 1775, MedGen C0265965, MONDO:0015780.

Submissions (2):

Ambry Genetics
Classification: Uncertain significance for Dyskeratosis congenita. Last evaluated: 2024-06-27. Review status: criteria provided, single submitter. Criteria: Ambry Variant Classification Scheme 2023. Collection method: clinical testing. Allele origin: germline.
Comment: The p.E209D variant (also known as c.627G>T), located in coding exon 2 of the TERT gene, results from a G to T substitution at nucleotide position 627. The glutamic acid at codon 209 is replaced by aspartic acid, an amino acid with highly similar properties. This amino acid position is conserved. In addition, the in silico prediction for this alteration is inconclusive. Based on the available evidence, the clinical significance of this variant remains unclear.

Labcorp Genetics (formerly Invitae), Labcorp
Classification: Uncertain significance for Dyskeratosis congenita, autosomal dominant 2; Idiopathic Pulmonary Fibrosis. Last evaluated: 2022-05-21. Review status: criteria provided, single submitter. Criteria: Invitae Variant Classification Sherloc (09022015). Collection method: clinical testing. Allele origin: germline.
Comment: This sequence change replaces glutamic acid, which is acidic and polar, with aspartic acid, which is acidic and polar, at codon 209 of the TERT protein (p.Glu209Asp). This variant is not present in population databases (gnomAD no frequency). This variant has not been reported in the literature in individuals affected with TERT-related conditions. Advanced modeling of protein sequence and biophysical properties (such as structural, functional, and spatial information, amino acid conservation, physicochemical variation, residue mobility, and thermodynamic stability) performed at Invitae indicates that this missense variant is not expected to disrupt TERT protein function. In summary, the available evidence is currently insufficient to determine the role of this variant in disease. Therefore, it has been classified as a Variant of Uncertain Significance.

NM_198253.3(TERT):c.627G>T (p.Glu209Asp)

Gene: TERT (telomerase reverse transcriptase; minus strand). Cytogenetic location: 5p15.33.
Variant type: single nucleotide variant.
Coding change: c.627G>T on transcript NM_198253.3 (MANE Select); coding-DNA position 627, G replaced by T.
Protein change: p.Glu209Asp; replaces glutamic acid 209 with aspartic acid.
Molecular consequence: missense variant. On other transcripts: non-coding transcript variant (2).
Genome position (GRCh38, 1-based): chr5:1,294,259, C>A on the plus strand (G>T on the coding strand, the complement: TERT is on the minus strand). VCF-style: chr5-1294259-C-A. GRCh37 (hg19) VCF-style: chr5-1294374-C-A.
Other names: c.627G>T, p.Glu209Asp (NM_001193376.3, NM_003219.1); short protein forms E209D.
Identifiers: ClinVar variation 1997719 (VCV001997719.2), dbSNP rs2478423236, ClinGen allele CA359057144.